The following is an entry in ClinVar:

ClinVar aggregate classification (germline): Pathogenic. Review status: criteria provided, multiple submitters, no conflicts (2 of 4 stars). 4 submissions from 4 submitters: Pathogenic (4). Last evaluated 2025-09-20.

Conditions:
Cardiomyopathy (CMYO). Also called: Cardiomyopathies. Identifiers: Orphanet 167848, MedGen C0878544, MONDO:0004994, HP:0001638. Inheritance: Various modes of inheritance.
Hypertrophic cardiomyopathy. Also called: HYPERTROPHIC MYOCARDIOPATHY. Identifiers: Orphanet 217569, MedGen C0007194, MeSH D002312, MONDO:0005045, HP:0001639.
Cardiovascular phenotype. Identifiers: MedGen CN230736.

Submissions (4):

Labcorp Genetics (formerly Invitae), Labcorp
Classification: Pathogenic for Hypertrophic cardiomyopathy. Last evaluated: 2025-09-20. Review status: criteria provided, single submitter. Criteria: Invitae Variant Classification Sherloc (09022015). Collection method: clinical testing. Allele origin: germline.
Comment: This sequence change creates a premature translational stop signal (p.Thr33Argfs*15) in the MYBPC3 gene. It is expected to result in an absent or disrupted protein product. Loss-of-function variants in MYBPC3 are known to be pathogenic (PMID: 19574547). This variant is present in population databases (rs745811346, gnomAD 0.0009%). This variant has not been reported in the literature in individuals affected with MYBPC3-related conditions. ClinVar contains an entry for this variant (Variation ID: 418349). Algorithms developed to predict the effect of sequence changes on RNA splicing suggest that this variant may disrupt the consensus splice site. For these reasons, this variant has been classified as Pathogenic.

Color Diagnostics, LLC DBA Color Health
Classification: Pathogenic for Cardiomyopathy. Last evaluated: 2024-12-23. Review status: criteria provided, single submitter. Criteria: ACMG Guidelines, 2015. Collection method: clinical testing. Allele origin: germline.
Comment: This variant deletes 2 nucleotides in exon 2 of the MYBPC3 gene, creating a frameshift and premature translation stop signal. This variant is expected to result in an absent or non-functional protein product. This variant has been reported in two related individuals affected with hypertrophic cardiomyopathy (PMID: 32034629). This variant has been identified in 1/241490 chromosomes in the general population by the Genome Aggregation Database (gnomAD). Loss of MYBPC3 function is a known mechanism of disease. Based on the available evidence, this variant is classified as Pathogenic.

Ambry Genetics
Classification: Pathogenic for Cardiovascular phenotype. Last evaluated: 2023-07-11. Review status: criteria provided, single submitter. Criteria: Ambry Variant Classification Scheme 2023. Collection method: clinical testing. Allele origin: germline.
Comment: The c.98_99delCA pathogenic mutation, located in coding exon 2 of the MYBPC3 gene, results from a deletion of two nucleotides at nucleotide positions 98 to 99, causing a translational frameshift with a predicted alternate stop codon (p.T33Rfs*15). This variant is considered to be rare based on population cohorts in the Genome Aggregation Database (gnomAD). This alteration is expected to result in loss of function by premature protein truncation or nonsense-mediated mRNA decay. As such, this alteration is interpreted as a disease-causing mutation.

GeneDx
Classification: Pathogenic. Last evaluated: 2022-07-21. Review status: criteria provided, single submitter. Criteria: GeneDx Variant Classification Process June 2021. Collection method: clinical testing. Allele origin: germline. Affected: yes.
Comment: Frameshift variant predicted to result in protein truncation or nonsense mediated decay in a gene for which loss of function is a known mechanism of disease; Not observed at significant frequency in large population cohorts (gnomAD); This variant is associated with the following publications: (PMID: 32034629)

Literature cited by the submitters: PubMed 19574547 (cited by Labcorp Genetics (formerly Invitae), Labcorp); PubMed 32034629 (cited by Color Diagnostics, LLC DBA Color Health).

NM_000256.3(MYBPC3):c.98_99del (p.Thr33fs)

Gene: MYBPC3 (myosin binding protein C3; minus strand). Cytogenetic location: 11p11.2.
Variant type: Deletion.
Coding change: c.98_99del on transcript NM_000256.3 (MANE Select); coding-DNA positions 98 to 99, 2 bases deleted (CA; older notation c.98_99delCA).
Protein change: p.Thr33fs; shifts the reading frame from threonine 33.
Molecular consequence: frameshift variant.
Genome position (GRCh38, 1-based): chr11:47,351,432-47,351,433, TG deleted on the plus strand (CA on the coding strand, the reverse complement: MYBPC3 is on the minus strand); deleting any 2 consecutive bases within chr11:47,351,432-47,351,434 gives the same sequence; the c. name uses the placement nearest the transcript's 3' end. VCF-style (leftmost placement, unchanged base first): chr11-47351431-CTG-C. GRCh37 (hg19) VCF-style: chr11-47372982-CTG-C.
Other names: c.98_99del, p.Thr33fs (LRG_386t1); c.98_99delCA (NM_000256.3); short protein forms T33fs.
Identifiers: ClinVar variation 418349 (VCV000418349.16), dbSNP rs745811346, ClinGen allele CA057700.